The following is an entry in ClinVar:

ClinVar aggregate classification (germline): Uncertain significance. Review status: criteria provided, multiple submitters, no conflicts (2 of 4 stars). 9 submissions from 9 submitters: Uncertain significance (8). 1 of the submissions does not count toward it. Last evaluated 2025-09-02.

Conditions:
Familial adenomatous polyposis 1 (FAP1). Also called: FAMILIAL ADENOMATOUS POLYPOSIS 1, ATTENUATED; POLYPOSIS, ADENOMATOUS INTESTINAL. Identifiers: MedGen C2713442, MONDO:0021056, OMIM 175100. Disease mechanism: loss of function.
Hereditary cancer-predisposing syndrome. Also called: Tumor predisposition; Hereditary neoplastic syndrome; Neoplastic Syndromes, Hereditary; Hereditary Cancer Syndrome. Identifiers: Orphanet 140162, MedGen C0027672, MeSH D009386, MONDO:0015356.

Allele frequency attached by ClinVar (database versions not stated): ExAC 0.00001; gnomAD exomes 0.00001.
gnomAD v4.1: 4 of 1,613,984 alleles (0.00025%); highest among the groups gnomAD compares: Non-Finnish European, 0.00034%; no homozygotes.

Submissions (9):

Institute for Biomarker Research, Medical Diagnostic Laboratories, L.L.C.
Classification: Uncertain significance for Hereditary cancer-predisposing syndrome. Last evaluated: 2025-09-02. Review status: criteria provided, single submitter. Criteria: ACMG Guidelines, 2015. Collection method: clinical testing. Allele origin: germline.
Comment: The missense variant NM_000038.6(APC):c.8182G>A (p.Val2728Met) has not been reported previously as a pathogenic variant nor as a benign variant, to our knowledge. There is a small physicochemical difference between valine and methionine, which is not likely to impact secondary protein structure as these residues share similar properties. For these reasons, this variant has been classified as Uncertain Significance.

Color Diagnostics, LLC DBA Color Health
Classification: Uncertain significance for Hereditary cancer-predisposing syndrome. Last evaluated: 2025-08-27. Review status: criteria provided, single submitter. Criteria: ACMG Guidelines, 2015. Collection method: clinical testing. Allele origin: germline.
Comment: This missense variant replaces valine with methionine at codon 2728 of the APC protein. Computational prediction suggests that this variant may not impact protein structure and function. APC is defined as a gene for which primarily truncating variants are known to cause disease (ClinGen HCCP VCEP). To our knowledge, functional studies have not been reported for this variant. This variant has been reported in individuals affected with colorectal, kidney, and thyroid cancer, but also in unaffected individuals (PMID: 24728327, 27978560, 29684080, 33821390). This variant has been identified in 2/251348 chromosomes in the general population by the Genome Aggregation Database (gnomAD). The available evidence is insufficient to determine the role of this variant in disease conclusively. Therefore, this variant is classified as a Variant of Uncertain Significance.

Labcorp Genetics (formerly Invitae), Labcorp
Classification: Uncertain significance for Familial adenomatous polyposis 1. Last evaluated: 2025-07-09. Review status: criteria provided, single submitter. Criteria: Invitae Variant Classification Sherloc (09022015). Collection method: clinical testing. Allele origin: germline.
Comment: This sequence change replaces valine, which is neutral and non-polar, with methionine, which is neutral and non-polar, at codon 2728 of the APC protein (p.Val2728Met). This variant is present in population databases (rs587778045, gnomAD 0.002%). This missense change has been observed in individual(s) with colorectal cancer and thyroid cancer (PMID: 27978560, 33821390). ClinVar contains an entry for this variant (Variation ID: 133536). Invitae Evidence Modeling of protein sequence and biophysical properties (such as structural, functional, and spatial information, amino acid conservation, physicochemical variation, residue mobility, and thermodynamic stability) indicates that this missense variant is not expected to disrupt APC protein function with a negative predictive value of 95%. In summary, the available evidence is currently insufficient to determine the role of this variant in disease. Therefore, it has been classified as a Variant of Uncertain Significance.

Ambry Genetics
Classification: Uncertain significance for Hereditary cancer-predisposing syndrome. Last evaluated: 2025-04-11. Review status: criteria provided, single submitter. Criteria: Ambry Variant Classification Scheme 2023. Collection method: clinical testing. Allele origin: germline.
Comment: The p.V2728M variant (also known as c.8182G>A), located in coding exon 15 of the APC gene, results from a G to A substitution at nucleotide position 8182. The valine at codon 2728 is replaced by methionine, an amino acid with highly similar properties. This variant has been reported in cancer-affected and healthy cohort individuals across multiple studies (Pearlman R et al. JAMA Oncol, 2017 Apr;3:464-471; Yehia L et al. PLoS Genet, 2018 04;14:e1007352; Bodian DL et al. PLoS One, 2014 Apr;9:e94554; Mio C et al. Endocrine, 2021 09;73:648-657). This amino acid position is not well conserved in available vertebrate species. Missense alterations in APC are not a common cause of disease (Spier I et al. Genet Med. 2024 Feb;26(2):100992). In addition, in silico predictors for this gene do not accurately predict pathogenicity. Since supporting evidence is limited at this time, the clinical significance of this alteration remains unclear.

Baylor Genetics
Classification: Uncertain significance for Familial adenomatous polyposis 1. Last evaluated: 2024-02-02. Review status: criteria provided, single submitter. Criteria: ACMG Guidelines, 2015. Collection method: clinical testing. Allele origin: unknown.

Women's Health and Genetics/Laboratory Corporation of America, LabCorp
Classification: Uncertain significance. Last evaluated: 2020-01-23. Review status: criteria provided, single submitter. Criteria: LabCorp Variant Classification Summary - May 2015. Collection method: clinical testing. Allele origin: germline.
Comment: Variant summary: APC c.8182G>A (p.Val2728Met) results in a conservative amino acid change located in the EB-1 binding domain (IPR009232) of the encoded protein sequence. Five of five in-silico tools predict a benign effect of the variant on protein function. The variant allele was found at a frequency of 8e-06 in 251348 control chromosomes (gnomAD). The available data on variant occurrences in the general population are insufficient to allow any conclusion about variant significance. c.8182G>A has been reported in the literature in an individual affected with early-onset colorectal cancer and thyroid cancer and also, an individual with kidney renal papillary cell carcinoma (Pearlman_2017, Yehia_2018). These reports do not provide unequivocal conclusions about association of the variant with Familial Adenomatous Polyposis. To our knowledge, no experimental evidence demonstrating an impact on protein function has been reported. Four ClinVar submitters (evaluation after 2014) cite the variant as uncertain significance. Based on the evidence outlined above, the variant was classified as uncertain significance.

PreventionGenetics, part of Exact Sciences
Classification: Uncertain significance. Last evaluated: 2017-10-05. Review status: criteria provided, single submitter. Criteria: ACMG Guidelines, 2015. Collection method: clinical testing. Allele origin: germline.

GeneDx
Classification: Uncertain significance. Last evaluated: 2015-10-26. Review status: criteria provided, single submitter. Criteria: GeneDx Variant Classification (06012015). Collection method: clinical testing. Allele origin: germline. Affected: yes.
Comment: This variant is denoted APC c.8182G>A at the cDNA level, p.Val2728Met (V2728M) at the protein level, and results in the change of a Valine to a Methionine (GTG>ATG). This variant was identified in 1/681 healthy individuals undergoing whole genome sequencing (Bodian 2014). Of note, the participants in this study were younger than 50 years old, thus the unaffected status of this individual may not be significant. APC Val2728Met was not observed in approximately 6,500 individuals of European and African American ancestry in the NHLBI Exome Sequencing Project, indicating it is not a common benign variant in these populations. Since Valine and Methionine share similar properties, this is considered a conservative amino acid substitution. APC Val2728Met occurs at a position where amino acids with properties similar to Valine are tolerated across species and is located in the EB1 binding domain (Azzopardi 2008). In silico analyses predict that this variant is unlikely to alter protein structure or function. Based on currently available information, it is unclear whether APC Val2728Met is pathogenic or benign. We consider it to be a variant of uncertain significance.

ITMI
No classification provided. Condition: AllHighlyPenetrant. Last evaluated: 2013-09-19. Review status: no classification provided. Collection method: reference population. Allele origin: germline. Not counted in ClinVar's aggregate classification.
Comment: Please see associated publication for description of ethnicities

Literature cited by the submitters: PubMed 24728327 (cited by 3 submitters); PubMed 27978560 (cited by 4 submitters); PubMed 29684080 (cited by 3 submitters); PubMed 33821390 (cited by 3 submitters).

NM_000038.6(APC):c.8182G>A (p.Val2728Met)

Gene: APC (APC regulator of Wnt signaling pathway; plus strand). Cytogenetic location: 5q22.2.
Variant type: single nucleotide variant.
Coding change: c.8182G>A on transcript NM_000038.6 (MANE Select); coding-DNA position 8182, G replaced by A.
Protein change: p.Val2728Met; replaces valine 2728 with methionine.
Molecular consequence: missense variant.
Genome position (GRCh38, 1-based): chr5:112,843,776, G>A. VCF-style: chr5-112843776-G-A. GRCh37 (hg19) VCF-style: chr5-112179473-G-A.
Other names: p.V2728M:GTG>ATG; c.8182G>A, p.Val2728Met (NM_001127510.3, NM_001354895.2); c.8128G>A, p.Val2710Met (NM_001127511.3); c.8236G>A, p.Val2746Met (NM_001354896.2); c.8212G>A, p.Val2738Met (NM_001354897.2); c.8107G>A, p.Val2703Met (NM_001354898.2); c.8098G>A, p.Val2700Met (NM_001354899.2); c.8059G>A, p.Val2687Met (NM_001354900.2); and 6 more; short protein forms V2710M, V2728M, V2445M, V2669M, V2746M, V2568M, V2627M, V2703M.
Identifiers: ClinVar variation 133536 (VCV000133536.63), dbSNP rs587778045, ClinGen allele CA014427.
Genomic context (GRCh38, chr5:112,843,776, plus strand): 5'-AATGGCAGTGTTCCCATGCGTACCGTGGGTTTGGAAAATCGCCTGAACTCCTTTATTCAG[G>A]TGGATGCCCCTGACCAAAAAGGAACTGAGATAAAACCAGGACAAAATAATCCTGTCCCTG-3'
Protein context (NP_000029.2, residues 2718-2738): LENRLNSFIQ[Val2728Met]DAPDQKGTEI